The following is an entry in ClinVar:

NM_005476.7(GNE):c.798del (p.Lys267fs)

Gene: GNE (glucosamine (UDP-N-acetyl)-2-epimerase/N-acetylmannosamine kinase; minus strand). Cytogenetic location: 9p13.3.
Variant type: Deletion.
Coding change: c.798del on transcript NM_005476.7 (MANE Select); coding-DNA position 798, one base deleted (G; older notation c.798delG).
Protein change: p.Lys267fs; shifts the reading frame from lysine 267.
Molecular consequence: frameshift variant.
Genome position (GRCh38, 1-based): chr9:36,234,104, C deleted on the plus strand (G on the coding strand, the reverse complement: GNE is on the minus strand); the first of 2 consecutive C bases (chr9:36,234,104-36,234,105); deleting either gives the same sequence. VCF-style (leftmost placement, unchanged base first): chr9-36234103-TC-T. GRCh37 (hg19) VCF-style: chr9-36234100-TC-T.
Other names: c.891del, p.Lys298fs (NM_001128227.3); c.798del, p.Lys267fs (NM_001190383.3); c.468del, p.Lys157fs (NM_001190384.3); c.621del, p.Lys208fs (NM_001190388.2, NM_001374798.1); c.645del, p.Lys216fs (NM_001374797.1); short protein forms K157fs, K298fs, K208fs, K267fs, K216fs.
Identifiers: ClinVar variation 2014927 (VCV002014927.4), dbSNP rs2489717760, ClinGen allele CA2580080533.

ClinVar aggregate classification (germline): Pathogenic (1 of 4 stars; one submission).

Conditions:
Sialuria. Also called: SIALURIA, FRENCH TYPE; Sialic Acid Storage Disease. Identifiers: Orphanet 3166, MedGen C0342853, MONDO:0010028, OMIM 269921.
GNE myopathy (NM). Also called: MYOPATHY, DISTAL, WITH OR WITHOUT RIMMED VACUOLES; NONAKA DISTAL MYOPATHY; INCLUSION BODY MYOPATHY, HEREDITARY, AUTOSOMAL RECESSIVE; INCLUSION BODY MYOPATHY 2, AUTOSOMAL RECESSIVE; IBM 2; Inclusion body myopathy autosomal recessive. Identifiers: Orphanet 602, MedGen C1853926, MONDO:0011603, OMIM 605820.

Submission:

Labcorp Genetics (formerly Invitae), Labcorp
Classification: Pathogenic for Sialuria; GNE myopathy. Last evaluated: 2022-07-15. Review status: criteria provided, single submitter. Criteria: Invitae Variant Classification Sherloc (09022015). Collection method: clinical testing. Allele origin: germline.
Comment: For these reasons, this variant has been classified as Pathogenic. This variant has not been reported in the literature in individuals affected with GNE-related conditions. This variant is not present in population databases (gnomAD no frequency). This sequence change creates a premature translational stop signal (p.Lys298Argfs*31) in the GNE gene. It is expected to result in an absent or disrupted protein product. Loss-of-function variants in GNE are known to be pathogenic (PMID: 24027297).

Literature cited by the submitters: PubMed 24027297.